The following is an entry in ClinVar:

ClinVar aggregate classification (germline): Uncertain significance (1 of 4 stars; one submission).

gnomAD v4.1: 2 of 1,614,044 alleles (0.00012%); highest among the groups gnomAD compares: Non-Finnish European, 0.00017%; no homozygotes.

Submission:

Labcorp Genetics (formerly Invitae), Labcorp
Classification: Uncertain significance. Last evaluated: 2024-09-16. Review status: criteria provided, single submitter. Criteria: Invitae Variant Classification Sherloc (09022015). Collection method: clinical testing. Allele origin: germline.
Comment: This sequence change replaces arginine, which is basic and polar, with leucine, which is neutral and non-polar, at codon 777 of the AGAP1 protein (p.Arg777Leu). This variant is not present in population databases (gnomAD no frequency). This variant has not been reported in the literature in individuals affected with AGAP1-related conditions. An algorithm developed to predict the effect of missense changes on protein structure and function (PolyPhen-2) suggests that this variant is likely to be tolerated. In summary, the available evidence is currently insufficient to determine the role of this variant in disease. Therefore, it has been classified as a Variant of Uncertain Significance.

NM_001037131.3(AGAP1):c.2489G>T (p.Arg830Leu)

Gene: AGAP1 (ArfGAP with GTPase domain, ankyrin repeat and PH domain 1; plus strand). Cytogenetic location: 2q37.2.
Variant type: single nucleotide variant.
Coding change: c.2489G>T on transcript NM_001037131.3 (MANE Select); coding-DNA position 2489, G replaced by T.
Protein change: p.Arg830Leu; replaces arginine 830 with leucine.
Molecular consequence: missense variant.
Genome position (GRCh38, 1-based): chr2:236,124,037, G>T. VCF-style: chr2-236124037-G-T. GRCh37 (hg19) VCF-style: chr2-237032681-G-T.
Other names: c.2330G>T, p.Arg777Leu (NM_014914.5); short protein forms R777L, R830L.
Identifiers: ClinVar variation 3717403 (VCV003717403.2).